The following is an entry in ClinVar:

NM_001348800.3(ZBTB20):c.735G>C (p.Ser245=)

Gene: ZBTB20 (zinc finger and BTB domain containing 20; minus strand). Cytogenetic location: 3q13.31.
Variant type: single nucleotide variant.
Coding change: c.735G>C on transcript NM_001348800.3 (MANE Select); coding-DNA position 735, G replaced by C.
Protein change: p.Ser245=; no amino-acid change (serine 245 retained).
Molecular consequence: synonymous variant.
Genome position (GRCh38, 1-based): chr3:114,351,343, C>G on the plus strand (G>C on the coding strand, the complement: ZBTB20 is on the minus strand). VCF-style: chr3-114351343-C-G. GRCh37 (hg19) VCF-style: chr3-114070190-C-G.
Other names: c.735G>C, p.Ser245= (NM_001164342.2, NM_001348803.3, NM_001393393.1 and 1 more transcripts); c.516G>C, p.Ser172= (NM_001164343.2, NM_001164344.4, NM_001164345.4 and 9 more transcripts).
Identifiers: ClinVar variation 783401 (VCV000783401.19), dbSNP rs148117897, ClinGen allele CA2551391.
Genomic context (GRCh38, chr3:114,351,343, plus strand): 5'-TGCGCCGCTGTAAAAAGAGCGCTCGCCGCTGCCATTCTGCATGGAGCACGCGTAGAGTGC[C>G]GAGTAGATCCTGTCCACGCTGTGCTGTGGGTGGCTCTGCAGGTAGCCCGACTCCGTGTCG-3'
Protein context (NP_001335729.1, residues 235-255): HPQHSVDRIY[Ser245=]ALYACSMQNG

ClinVar aggregate classification (germline): Benign/Likely benign. Review status: criteria provided, multiple submitters, no conflicts (2 of 4 stars). 3 submissions from 3 submitters: Benign (2); Likely benign (1). Last evaluated 2026-02-03.

Allele frequency attached by ClinVar (database versions not stated): gnomAD 0.00377 and 0.00403; 1000 Genomes Project 30x 0.00390; ESP Exome Variant Server 0.00400; TOPMed 0.00414; 1000 Genomes Project 0.00419.
gnomAD v4.1: 1,136 of 1,609,142 alleles (0.071%); highest among the groups gnomAD compares: African/African-American, 1.4%; 9 homozygotes.

Submissions (3):

Labcorp Genetics (formerly Invitae), Labcorp
Classification: Benign. Last evaluated: 2026-02-03. Review status: criteria provided, single submitter. Criteria: Invitae Variant Classification Sherloc (09022015). Collection method: clinical testing. Allele origin: germline.

CeGaT Center for Human Genetics Tuebingen
Classification: Likely benign. Last evaluated: 2025-07-01. Review status: criteria provided, single submitter. Criteria: CeGaT Center For Human Genetics Tuebingen Variant Classification Criteria Version 2. Collection method: clinical testing. Allele origin: germline. Affected: yes. Observed: 1 variant allele.
Comment: ZBTB20: BP4, BP7, BS1

Breakthrough Genomics
Classification: Benign. Review status: criteria provided, single submitter. Criteria: ACMG Guidelines, 2015. Collection method: not provided. Allele origin: germline. Inheritance: Autosomal dominant inheritance. Affected: yes.